The following is an entry in ClinVar:

ClinVar aggregate classification (germline): Likely benign (0 of 4 stars; one submission).

Conditions:
PIEZO1-related disorder. Also called: PIEZO1-related condition; PIEZO1-Related Disorders.

Allele frequency attached by ClinVar (database versions not stated): gnomAD 0.00003; ExAC 0.00005.
gnomAD v4.1: 13 of 1,551,234 alleles (0.00084%); highest among the groups gnomAD compares: South Asian, 0.0059%; no homozygotes.

Submission:

PreventionGenetics, part of Exact Sciences
Classification: Likely benign for PIEZO1-related condition. Last evaluated: 2019-07-31. Review status: no assertion criteria provided. Collection method: clinical testing. Allele origin: germline.
Comment: This variant is classified as likely benign based on ACMG/AMP sequence variant interpretation guidelines (Richards et al. 2015 PMID: 25741868, with internal and published modifications).

NM_001142864.4(PIEZO1):c.6339G>A (p.Pro2113=)

Gene: PIEZO1 (piezo type mechanosensitive ion channel component 1 (Er blood group); minus strand). Cytogenetic location: 16q24.3.
Variant type: single nucleotide variant.
Coding change: c.6339G>A on transcript NM_001142864.4 (MANE Select); coding-DNA position 6339, G replaced by A.
Protein change: p.Pro2113=; no amino-acid change (proline 2113 retained).
Molecular consequence: synonymous variant.
Genome position (GRCh38, 1-based): chr16:88,719,706, C>T on the plus strand (G>A on the coding strand, the complement: PIEZO1 is on the minus strand). VCF-style: chr16-88719706-C-T. GRCh37 (hg19) VCF-style: chr16-88786114-C-T.
Other names: c.4881G>A, p.Pro1627= (NM_014745.1).
Identifiers: ClinVar variation 3035882 (VCV003035882.2), dbSNP rs773087443, ClinGen allele CA8231646.
Genomic context (GRCh38, chr16:88,719,706, plus strand): 5'-CAGGGACAGCGTGGTGTCCGTCCACACCCAGTCCATCACTGCCCGCAGCTCCACCAGGAA[C>T]GGCACCAGCCGGAACCTGCCCACAGCCAGGGTTCCCGTCAGGTGGGCTCCCTCATGCCCG-3'
Protein context (NP_001136336.2, residues 2103-2123): LFLFQGFRLV[Pro2113=]FLVELRAVMD